The following is an entry in ClinVar:

NM_001371623.1(TCOF1):c.4076C>T (p.Thr1359Ile)

Gene: TCOF1 (treacle ribosome biogenesis factor 1; plus strand). Cytogenetic location: 5q32.
Variant type: single nucleotide variant.
Coding change: c.4076C>T on transcript NM_001371623.1 (MANE Select); coding-DNA position 4076, C replaced by T.
Protein change: p.Thr1359Ile; replaces threonine 1359 with isoleucine.
Molecular consequence: missense variant.
Genome position (GRCh38, 1-based): chr5:150,396,573, C>T. VCF-style: chr5-150396573-C-T. GRCh37 (hg19) VCF-style: chr5-149776136-C-T.
Other names: c.3842C>T, p.Thr1281Ile (NM_000356.4); c.4073C>T, p.Thr1358Ile (NM_001135243.2); c.3962C>T, p.Thr1321Ile (NM_001135244.2); c.3845C>T, p.Thr1282Ile (NM_001135245.2); c.3959C>T, p.Thr1320Ile (NM_001195141.2); short protein forms T1320I, T1359I, T1282I, T1321I, T1358I, T1281I.
Identifiers: ClinVar variation 3698937 (VCV003698937.2).
Genomic context (GRCh38, chr5:150,396,573, plus strand): 5'-GCAGGAAGGGCTGGGAGAGCCGCAAGCGGAAGCTATCGGGAGACCAGCCAGCTGCCAGGA[C>T]CCCCAGGAGCAAGAAGAAGAAGAAGCTGGGGGCCGGGGAAGGTGGGGAGGCCTCTGTTTC-3'
Protein context (NP_001358552.1, residues 1349-1369): KLSGDQPAAR[Thr1359Ile]PRSKKKKKLG

ClinVar aggregate classification (germline): Uncertain significance (1 of 4 stars; one submission).

Conditions:
Treacher Collins syndrome 1 (TCS1). Also called: TCOF1-Related Treacher Collins Syndrome. Identifiers: Orphanet 861, MedGen CN315775, MONDO:0007944, OMIM 154500.

Submission:

Labcorp Genetics (formerly Invitae), Labcorp
Classification: Uncertain significance for Treacher Collins syndrome 1. Last evaluated: 2024-09-04. Review status: criteria provided, single submitter. Criteria: Invitae Variant Classification Sherloc (09022015). Collection method: clinical testing. Allele origin: germline.
Comment: This sequence change replaces threonine, which is neutral and polar, with isoleucine, which is neutral and non-polar, at codon 1358 of the TCOF1 protein (p.Thr1358Ile). This variant is not present in population databases (gnomAD no frequency). This variant has not been reported in the literature in individuals affected with TCOF1-related conditions. An algorithm developed to predict the effect of missense changes on protein structure and function (PolyPhen-2) suggests that this variant is likely to be tolerated. In summary, the available evidence is currently insufficient to determine the role of this variant in disease. Therefore, it has been classified as a Variant of Uncertain Significance.